The following is an entry in ClinVar:

ClinVar aggregate classification (germline): Uncertain significance (1 of 4 stars; one submission).

Conditions:
Inborn genetic diseases. Identifiers: MedGen C0950123, MeSH D030342.

gnomAD v4.1: 16 of 1,612,354 alleles (0.00099%); highest among the groups gnomAD compares: Middle Eastern, 0.017%; no homozygotes.

Submission:

Ambry Genetics
Classification: Uncertain significance for Inborn genetic diseases. Last evaluated: 2026-07-29. Review status: criteria provided, single submitter. Criteria: Ambry Variant Classification Scheme 2023. Collection method: clinical testing. Allele origin: germline.
Comment: The c.398A>T (p.N133I) alteration is located in exon 4 (coding exon 3) of the LBR gene. This alteration results from a A to T substitution at nucleotide position 398, causing the asparagine (N) at amino acid position 133 to be replaced by an isoleucine (I). Based on data from gnomAD, the T allele has an overall frequency of 0.002% (6/282522) total alleles studied. The highest observed frequency was 0.024% (6/24952) of African alleles. Based on insufficient or conflicting evidence, the clinical significance of this alteration remains unclear.

NM_002296.4(LBR):c.398A>T (p.Asn133Ile)

Gene: LBR (lamin B receptor; minus strand). Cytogenetic location: 1q42.12.
Variant type: single nucleotide variant.
Coding change: c.398A>T on transcript NM_002296.4 (MANE Select); coding-DNA position 398, A replaced by T.
Protein change: p.Asn133Ile; replaces asparagine 133 with isoleucine.
Molecular consequence: missense variant.
Genome position (GRCh38, 1-based): chr1:225,419,767, T>A on the plus strand (A>T on the coding strand, the complement: LBR is on the minus strand). VCF-style: chr1-225419767-T-A. GRCh37 (hg19) VCF-style: chr1-225607469-T-A.
Other names: c.398A>T, p.Asn133Ile (NM_194442.3); short protein forms N133I.
Identifiers: ClinVar variation 3290223 (VCV003290223.2).